The following is an entry in ClinVar:

ClinVar aggregate classification (germline): Pathogenic (1 of 4 stars; one submission).

Conditions:
Inborn genetic diseases. Identifiers: MedGen C0950123, MeSH D030342.

Submission:

Ambry Genetics
Classification: Pathogenic for Inborn genetic diseases. Last evaluated: 2025-07-22. Review status: criteria provided, single submitter. Criteria: Ambry Variant Classification Scheme 2023. Collection method: clinical testing. Allele origin: germline.
Comment: The c.290dupT (p.L98Vfs*4) alteration, located in exon 1 (coding exon 1) of the ASPM gene, consists of a duplication of T at position 290, causing a translational frameshift with a predicted alternate stop codon after 4 amino acids. This alteration is expected to result in loss of function by premature protein truncation or nonsense-mediated mRNA decay. This variant was not reported in population-based cohorts in the Genome Aggregation Database (gnomAD). Based on the available evidence, this alteration is classified as pathogenic.

NM_018136.5(ASPM):c.290dup (p.Leu98fs)

Gene: ASPM (assembly factor for spindle microtubules; minus strand). Cytogenetic location: 1q31.3.
Variant type: Duplication.
Coding change: c.290dup on transcript NM_018136.5 (MANE Select); coding-DNA position 290, one base duplicated (T; older notation c.290dupT).
Protein change: p.Leu98fs; shifts the reading frame from leucine 98.
Molecular consequence: frameshift variant.
Genome position (GRCh38, 1-based): chr1:197,146,148, A duplicated on the plus strand (T on the coding strand, the reverse complement: ASPM is on the minus strand). VCF-style (leftmost placement, unchanged base first): chr1-197146147-C-CA. GRCh37 (hg19) VCF-style: chr1-197115277-C-CA.
Other names: c.290dup, p.Leu98fs (NM_001206846.2); short protein forms L98fs.
Identifiers: ClinVar variation 4156274 (VCV004156274.1).